The following is an entry in ClinVar:

NM_001848.3(COL6A1):c.2435-19C>T

Gene: COL6A1 (collagen type VI alpha 1 chain; plus strand). Cytogenetic location: 21q22.3.
Variant type: single nucleotide variant.
Coding change: c.2435-19C>T on transcript NM_001848.3 (MANE Select); 19 bases into the intron before coding-DNA position 2435, C replaced by T.
Molecular consequence: intron variant.
Genome position (GRCh38, 1-based): chr21:46,003,101, C>T. VCF-style: chr21-46003101-C-T. GRCh37 (hg19) VCF-style: chr21-47423015-C-T.
Identifiers: ClinVar variation 93857 (VCV000093857.19), dbSNP rs115181427, ClinGen allele CA147373.

ClinVar aggregate classification (germline): Benign. Review status: criteria provided, multiple submitters, no conflicts (2 of 4 stars). 8 submissions from 8 submitters: Benign (5). 3 of the submissions do not count toward it. Last evaluated 2026-02-02.

Conditions:
Bethlem myopathy 1A. Also called: Bethlem myopathy 1; Bethlem Muscular Dystrophy; MYOPATHY, BENIGN CONGENITAL, WITH CONTRACTURES. Identifiers: Orphanet 610, MedGen CN029274, MONDO:0024530, OMIM 158810.

Allele frequency attached by ClinVar (database versions not stated): ExAC 0.00958; ESP Exome Variant Server 0.03222; gnomAD exomes 0.00322 and 0.00812; gnomAD 0.03003 and 0.02827; 1000 Genomes Project 30x 0.03498; 1000 Genomes Project 0.03315; TOPMed 0.03365.
gnomAD v4.1: 9,305 of 1,614,068 alleles (0.58%); highest among the groups gnomAD compares: African/African-American, 9.4%; 355 homozygotes.

Submissions (8):

Labcorp Genetics (formerly Invitae), Labcorp
Classification: Benign for Bethlem myopathy 1A. Last evaluated: 2026-02-02. Review status: criteria provided, single submitter. Criteria: Invitae Variant Classification Sherloc (09022015). Collection method: clinical testing. Allele origin: germline.

GeneDx
Classification: Benign. Last evaluated: 2016-03-28. Review status: criteria provided, single submitter. Criteria: GeneDx Variant Classification (06012015). Collection method: clinical testing. Allele origin: germline. Affected: yes.
Comment: This variant is considered likely benign or benign based on one or more of the following criteria: it is a conservative change, it occurs at a poorly conserved position in the protein, it is predicted to be benign by multiple in silico algorithms, and/or has population frequency not consistent with disease.

Eurofins Ntd Llc (ga)
Classification: Benign. Last evaluated: 2012-08-23. Review status: criteria provided, single submitter. Criteria: EGL Classification Definitions 2015. Collection method: clinical testing. Allele origin: germline. Observed: 5 variant alleles, 5 heterozygotes.

Breakthrough Genomics
Classification: Benign. Review status: criteria provided, single submitter. Criteria: ACMG Guidelines, 2015. Collection method: not provided. Allele origin: germline. Inheritance: Autosomal recessive inheritance. Affected: yes.

PreventionGenetics, part of Exact Sciences
Classification: Benign. Review status: criteria provided, single submitter. Criteria: ACMG Guidelines, 2015. Collection method: clinical testing. Allele origin: germline.

Clinical Genetics, Academic Medical Center
Classification: Benign. Review status: no assertion criteria provided. Collection method: clinical testing. Allele origin: germline. Affected: yes. Study: VKGL Data-share Consensus. Not counted in ClinVar's aggregate classification.

Joint Genome Diagnostic Labs from Nijmegen and Maastricht, Radboudumc and MUMC+
Classification: Benign. Review status: no assertion criteria provided. Collection method: clinical testing. Allele origin: germline. Affected: yes. Study: VKGL Data-share Consensus. Not counted in ClinVar's aggregate classification.

Laboratory of Diagnostic Genome Analysis, Leiden University Medical Center (LUMC)
Classification: Likely benign. Review status: no assertion criteria provided. Collection method: clinical testing. Allele origin: germline. Affected: yes. Study: VKGL Data-share Consensus. Not counted in ClinVar's aggregate classification.